The following is an entry in ClinVar:

NM_000466.3(PEX1):c.2875C>T (p.Arg959Ter)

Genes: GATAD1 (GATA zinc finger domain containing 1; plus strand), PEX1 (peroxisomal biogenesis factor 1; minus strand). Cytogenetic location: 7q21.2.
Variant type: single nucleotide variant.
Coding change: c.2875C>T on transcript NM_000466.3 (MANE Select); coding-DNA position 2875, C replaced by T.
Protein change: p.Arg959Ter; replaces arginine 959 with a stop codon.
Molecular consequence: nonsense.
Genome position (GRCh38, 1-based): chr7:92,494,538, G>A on the plus strand (C>T on the coding strand, the complement: PEX1 is on the minus strand). VCF-style: chr7-92494538-G-A. GRCh37 (hg19) VCF-style: chr7-92123852-G-A.
Other names: c.2704C>T, p.Arg902Ter (NM_001282677.2); c.2251C>T, p.Arg751Ter (NM_001282678.2); short protein forms R959*, R902*, R751*.
Identifiers: ClinVar variation 371716 (VCV000371716.23), dbSNP rs1057517481, ClinGen allele CA16041148.

ClinVar aggregate classification (germline): Pathogenic/Likely pathogenic. Review status: criteria provided, multiple submitters, no conflicts (2 of 4 stars). 9 submissions from 7 submitters: Pathogenic (5); Likely pathogenic (2). 2 of the submissions do not count toward it. Last evaluated 2026-03-31.

Conditions:
Zellweger spectrum disorders (ZS). Also called: Zellweger Spectrum Disorder (ZSD); Zellweger syndrome; Zellweger Spectrum Disorder; Zellweger Spectrum. Identifiers: Orphanet 912, MedGen C0043459, MONDO:0019609.
Peroxisome biogenesis disorder 1B (PBD1B). Also called: PEROXISOME BIOGENESIS DISORDER (NEONATAL ADRENOLEUKODYSTROPHY/INFANTILE REFSUM DISEASE); INFANTILE PHYTANIC ACID STORAGE DISEASE; Refsum disease, infantile form; Infantile Refsum disease; Infantile form of phytanic acid storage disease; PEROXISOME BIOGENESIS DISORDER (NALD/IRD). Identifiers: Orphanet 44, MedGen C0282527, MONDO:0011101, OMIM 601539.
Peroxisome biogenesis disorder 1A (Zellweger) (PBD1A). Also called: Peroxisome biogenesis disorder 1a; Zellweger leukodystrophy. Identifiers: MedGen C4721541, MONDO:0008953, OMIM 214100.
PEX1-related disorder. Also called: PEX1-related condition.
Heimler syndrome 1 (HMLR1). Also called: PEROXISOME BIOGENESIS DISORDER 1C. Identifiers: Orphanet 3220, MedGen C4551980, OMIM 234580, MONDO:0024544.

gnomAD v4.1: 13 of 1,613,580 alleles (0.00081%); highest among the groups gnomAD compares: East Asian, 0.0045%; no homozygotes.

Submissions (9):

PreventionGenetics, part of Exact Sciences
Classification: Likely pathogenic for PEX1-related condition. Last evaluated: 2026-03-31. Review status: criteria provided, single submitter. Criteria: ACMG Guidelines, 2015. Collection method: clinical testing. Allele origin: germline.
Comment: The PEX1 c.2875C>T variant is predicted to result in premature protein termination (p.Arg959*). This variant has been reported in the homozygous state in an individual with peroxisome biogenesis disorder (Table S3, Trujillano et al. 2017. PubMed ID: 27848944), and in the compound heterozygous state in a fetus with lissencephaly (Smogavec et al. 2022. PubMed ID: 34974531). This variant is absent in a large population database (gnomAD), indicating this variant is rare. Nonsense variants in PEX1 are an established mechanism of disease. This variant is interpreted as likely pathogenic.

Natera, Inc.
Classification: Pathogenic for Zellweger syndrome. Last evaluated: 2026-01-23. Review status: criteria provided, single submitter. Criteria: Natera Variant Classification Schema (03/2026). Collection method: clinical testing. Allele origin: germline.
Comment: The c.2875C>T variant in PEX1 is a nonsense variant predicted to introduce a stop codon at amino acid 959. This variant is expected to result in nonsense mediated decay, truncation, or a dysfunctional protein product. This variant is rare in the general population with a frequency below the threshold expected for the associated phenotype(s). This variant has been observed in one or more individuals affected with the associated recessive disease, as either homozygous or compound heterozygous with a second variant (PMID: 30890842, 27848944, 34974531). Given the available evidence, this variant is classified as Pathogenic.

Labcorp Genetics (formerly Invitae), Labcorp
Classification: Pathogenic for Zellweger spectrum disorders. Last evaluated: 2025-06-23. Review status: criteria provided, single submitter. Criteria: Invitae Variant Classification Sherloc (09022015). Collection method: clinical testing. Allele origin: germline.
Comment: This sequence change creates a premature translational stop signal (p.Arg959*) in the PEX1 gene. It is expected to result in an absent or disrupted protein product. Loss-of-function variants in PEX1 are known to be pathogenic (PMID: 21031596, 26387595, 31831025). This variant is not present in population databases (gnomAD no frequency). This premature translational stop signal has been observed in individual(s) with clinical features of a Zellweger spectrum disorder (PMID: 27848944). ClinVar contains an entry for this variant (Variation ID: 371716). Algorithms developed to predict the effect of sequence changes on RNA splicing suggest that this variant may disrupt the consensus splice site. For these reasons, this variant has been classified as Pathogenic.

Blueprint Genetics
Classification: Likely pathogenic for PEX1-related disorders. Last evaluated: 2024-11-08. Review status: criteria provided, single submitter. Criteria: ACMG Guidelines, 2015. Collection method: clinical testing. Allele origin: germline. Affected: yes. Observed: 3 variant alleles.

Baylor Genetics
Classification: Pathogenic for Heimler syndrome 1. Last evaluated: 2024-01-20. Review status: criteria provided, single submitter. Criteria: ACMG Guidelines, 2015. Collection method: clinical testing. Allele origin: unknown.

GeneDx
Classification: Pathogenic. Last evaluated: 2023-02-02. Review status: criteria provided, single submitter. Criteria: GeneDx Variant Classification Process June 2021. Collection method: clinical testing. Allele origin: germline. Affected: yes.
Comment: Nonsense variant predicted to result in protein truncation or nonsense mediated decay in a gene for which loss of function is a known mechanism of disease; Not observed at significant frequency in large population cohorts (gnomAD); This variant is associated with the following publications: (PMID: 27848944, 34974531)

Baylor Genetics
Classification: Pathogenic for Peroxisome biogenesis disorder 1A (Zellweger); Peroxisome biogenesis disorder 1B. Review status: criteria provided, single submitter. Criteria: ACMG Guidelines, 2015. Collection method: clinical testing. Allele origin: germline.

Counsyl
Classification: Likely pathogenic for Peroxisome biogenesis disorder 1A (Zellweger). Last evaluated: 2016-03-04. Review status: no assertion criteria provided. Collection method: clinical testing. Allele origin: unknown. Not counted in ClinVar's aggregate classification.

Counsyl
Classification: Likely pathogenic for Peroxisome biogenesis disorder 1B. Last evaluated: 2016-03-04. Review status: no assertion criteria provided. Collection method: clinical testing. Allele origin: unknown. Not counted in ClinVar's aggregate classification.

Literature cited by the submitters: PubMed 30890842 (cited by Natera, Inc.); PubMed 27848944 (cited by Natera, Inc. and Labcorp Genetics (formerly Invitae), Labcorp); PubMed 34974531 (cited by Natera, Inc.); PubMed 21031596 (cited by Labcorp Genetics (formerly Invitae), Labcorp); PubMed 26387595 (cited by Labcorp Genetics (formerly Invitae), Labcorp); PubMed 31831025 (cited by Labcorp Genetics (formerly Invitae), Labcorp).